The following is an entry in ClinVar:

NM_001148.6(ANK2):c.8719G>A (p.Asp2907Asn)

Gene: ANK2 (ankyrin 2; plus strand). Cytogenetic location: 4q26.
Variant type: single nucleotide variant.
Coding change: c.8719G>A on transcript NM_001148.6 (MANE Select); coding-DNA position 8719, G replaced by A.
Protein change: p.Asp2907Asn; replaces aspartic acid 2907 with asparagine.
Molecular consequence: missense variant. On other transcripts: intron variant (68).
Genome position (GRCh38, 1-based): chr4:113,357,337, G>A. VCF-style: chr4-113357337-G-A. GRCh37 (hg19) VCF-style: chr4-114278493-G-A.
Other names: c.4292-3486G>A (NM_001386187.2); c.4253-3486G>A (NM_001386147.1); c.4271-3486G>A (NM_001386160.1); c.4376-3486G>A (NM_001354254.2); c.4397-3486G>A (NM_001354239.2, NM_001354252.2); c.4298-3486G>A (NM_001354272.2); c.4361-3486G>A (NM_001354244.2, NM_001354256.2, NM_001386161.1); c.4400-3486G>A (NM_001127493.3); and 35 more; short protein forms D1707N, D2829N, D2907N, D2946N, D2954N.
Identifiers: ClinVar variation 4858320 (VCV004858320.1).

ClinVar aggregate classification (germline): Uncertain significance (1 of 4 stars; one submission).

Conditions:
Cardiovascular phenotype. Identifiers: MedGen CN230736.

Submission:

Ambry Genetics
Classification: Uncertain significance for Cardiovascular phenotype. Last evaluated: 2026-05-23. Review status: criteria provided, single submitter. Criteria: Ambry Variant Classification Scheme 2023. Collection method: clinical testing. Allele origin: germline.
Comment: The p.D2907N variant (also known as c.8719G>A), located in coding exon 38 of the ANK2 gene, results from a G to A substitution at nucleotide position 8719. The aspartic acid at codon 2907 is replaced by asparagine, an amino acid with highly similar properties. This amino acid position is conserved. In addition, this alteration is predicted to be tolerated by in silico analysis. Based on the available evidence, the clinical significance of this variant remains unclear.